The following is an entry in ClinVar:

NM_004304.5(ALK):c.438C>T (p.Gly146=)

Gene: ALK (ALK receptor tyrosine kinase; minus strand). Cytogenetic location: 2p23.1.
Variant type: single nucleotide variant.
Coding change: c.438C>T on transcript NM_004304.5 (MANE Select); coding-DNA position 438, C replaced by T.
Protein change: p.Gly146=; no amino-acid change (glycine 146 retained).
Molecular consequence: synonymous variant.
Genome position (GRCh38, 1-based): chr2:29,920,222, G>A on the plus strand (C>T on the coding strand, the complement: ALK is on the minus strand). VCF-style: chr2-29920222-G-A. GRCh37 (hg19) VCF-style: chr2-30143088-G-A.
Other names: c.438C>T (NM_004304.4).
Identifiers: ClinVar variation 1977995 (VCV001977995.6), dbSNP rs1667953792, ClinGen allele CA425627164.
Genomic context (GRCh38, chr2:29,920,222, plus strand): 5'-GAGCAGCCCCACAGCCGCCTCCCCGGGGGGCCCGACGCAACCCTCCAAGATCGCCTCCTC[G>A]CCCAGCTCCAGCACCAACTGCTTGGCACGCCGGAGCTTGCGCACGGAGCCGCCCTTCAGC-3'
Protein context (NP_004295.2, residues 136-156): RRAKQLVLEL[Gly146=]EEAILEGCVG

ClinVar aggregate classification (germline): Uncertain significance. Review status: criteria provided, multiple submitters, no conflicts (2 of 4 stars). 2 submissions from 2 submitters: Uncertain significance (2). Last evaluated 2025-05-02.

Conditions:
Neuroblastoma, susceptibility to, 3. Also called: ALK-Related Neuroblastic Tumor Susceptibility. Identifiers: Orphanet 635, MedGen C2751681, MONDO:0013083, OMIM 613014.
Hereditary cancer-predisposing syndrome. Also called: Hereditary neoplastic syndrome; Neoplastic Syndromes, Hereditary; Tumor predisposition; Hereditary Cancer Syndrome. Identifiers: Orphanet 140162, MedGen C0027672, MeSH D009386, MONDO:0015356.

Allele frequency attached by ClinVar (database versions not stated): TOPMed below 0.00001.
gnomAD v4.1: 1 of 1,612,366 alleles (0.000062%); highest among the groups gnomAD compares: Non-Finnish European, 0.000085%; no homozygotes.

Submissions (2):

Ambry Genetics
Classification: Uncertain significance for Hereditary cancer-predisposing syndrome. Last evaluated: 2025-05-02. Review status: criteria provided, single submitter. Criteria: Ambry Variant Classification Scheme 2023. Collection method: clinical testing. Allele origin: germline.
Comment: The c.438C>T variant (also known as p.G146G), located in coding exon 1 of the ALK gene, results from a C to T substitution at nucleotide position 438. This nucleotide substitution does not change the glycine at codon 146. This nucleotide position is not well conserved in available vertebrate species. In silico splice site analysis predicts that this alteration may result in the creation or strengthening of a novel splice donor site. Based on the available evidence, the clinical significance of this variant remains unclear.

Labcorp Genetics (formerly Invitae), Labcorp
Classification: Uncertain significance for Neuroblastoma, susceptibility to, 3. Last evaluated: 2021-12-23. Review status: criteria provided, single submitter. Criteria: Invitae Variant Classification Sherloc (09022015). Collection method: clinical testing. Allele origin: germline.
Comment: This variant has not been reported in the literature in individuals affected with ALK-related conditions. Algorithms developed to predict the effect of sequence changes on RNA splicing suggest that this variant may create or strengthen a splice site. In summary, the available evidence is currently insufficient to determine the role of this variant in disease. Therefore, it has been classified as a Variant of Uncertain Significance. This variant is not present in population databases (gnomAD no frequency). This sequence change affects codon 146 of the ALK mRNA. It is a 'silent' change, meaning that it does not change the encoded amino acid sequence of the ALK protein.